The following is an entry in ClinVar:

ClinVar aggregate classification (germline): Uncertain significance (1 of 4 stars; one submission).

Conditions:
Spermatogenic failure 18. Identifiers: MedGen C4539783, MONDO:0054615, OMIM 617576.
Ciliary dyskinesia, primary, 37 (CILD37). Also called: CILIARY DYSKINESIA, PRIMARY, 37, WITH OR WITHOUT SITUS INVERSUS. Identifiers: MedGen C4539798, MONDO:0033204, OMIM 617577.

Submission:

Labcorp Genetics (formerly Invitae), Labcorp
Classification: Uncertain significance for Ciliary dyskinesia, primary, 37; Spermatogenic failure 18. Last evaluated: 2024-10-08. Review status: criteria provided, single submitter. Criteria: Invitae Variant Classification Sherloc (09022015). Collection method: clinical testing. Allele origin: germline.
Comment: This sequence change replaces glutamic acid, which is acidic and polar, with lysine, which is basic and polar, at codon 480 of the DNAH1 protein (p.Glu480Lys). This variant is not present in population databases (gnomAD no frequency). This variant has not been reported in the literature in individuals affected with DNAH1-related conditions. An algorithm developed to predict the effect of missense changes on protein structure and function outputs the following: PolyPhen-2: "Benign". The lysine amino acid residue is found in multiple mammalian species, which suggests that this missense change does not adversely affect protein function. In summary, the available evidence is currently insufficient to determine the role of this variant in disease. Therefore, it has been classified as a Variant of Uncertain Significance.

NM_015512.5(DNAH1):c.1438G>A (p.Glu480Lys)

Gene: DNAH1 (dynein axonemal heavy chain 1; plus strand). Cytogenetic location: 3p21.1.
Variant type: single nucleotide variant.
Coding change: c.1438G>A on transcript NM_015512.5 (MANE Select); coding-DNA position 1438, G replaced by A.
Protein change: p.Glu480Lys; replaces glutamic acid 480 with lysine.
Molecular consequence: missense variant.
Genome position (GRCh38, 1-based): chr3:52,344,641, G>A. VCF-style: chr3-52344641-G-A. GRCh37 (hg19) VCF-style: chr3-52378657-G-A.
Other names: short protein forms E480K.
Identifiers: ClinVar variation 3757348 (VCV003757348.2).